The following is an entry in ClinVar:

NM_006269.2(RP1):c.2010del (p.Ser670fs)

Gene: RP1 (RP1 axonemal microtubule associated; plus strand). Cytogenetic location: 8q12.1.
Variant type: Deletion.
Coding change: c.2010del on transcript NM_006269.2 (MANE Select); coding-DNA position 2010, one base deleted (C; older notation c.2010delC).
Protein change: p.Ser670fs; shifts the reading frame from serine 670.
Molecular consequence: frameshift variant. On other transcripts: intron variant (1).
Genome position (GRCh38, 1-based): chr8:54,625,892, C deleted. VCF-style (leftmost placement, unchanged base first): chr8-54625891-GC-G. GRCh37 (hg19) VCF-style: chr8-55538451-GC-G.
Other names: p.Ser670Argfs*12; c.787+3604del (NM_001375654.1); short protein forms S670fs.
Identifiers: ClinVar variation 5042637 (VCV005042637.1).

ClinVar aggregate classification (germline): Likely pathogenic (1 of 4 stars; one submission).

Conditions:
RP1-related dominant retinopathy. Identifiers: MedGen CN322606, MONDO:0800400.

Submission:

Department of Ophthalmology, Seoul National University Bundang Hospital
Classification: Likely pathogenic for RP1-related dominant retinopathy. Last evaluated: 2026-10-19. Review status: criteria provided, single submitter. Criteria: ACMG Guidelines, 2015. Collection method: clinical testing. Allele origin: germline. Inheritance: Autosomal dominant inheritance. Affected: yes.
Comment: Frameshift variant in exon 4, within the dominant cluster. Identified in a Korean multicenter RP1 cohort (PMID:42847597) with dominant retinitis pigmentosa. ACMG/AMP criteria: PVS1, PM2.

Literature cited by the submitters: PubMed 42847597.